The following is an entry in ClinVar:

NM_002206.3(ITGA7):c.2719G>A (p.Asp907Asn)

Gene: ITGA7 (integrin subunit alpha 7; minus strand). Cytogenetic location: 12q13.2.
Variant type: single nucleotide variant.
Coding change: c.2719G>A on transcript NM_002206.3 (MANE Select); coding-DNA position 2719, G replaced by A.
Protein change: p.Asp907Asn; replaces aspartic acid 907 with asparagine.
Molecular consequence: missense variant.
Genome position (GRCh38, 1-based): chr12:55,692,969, C>T on the plus strand (G>A on the coding strand, the complement: ITGA7 is on the minus strand). VCF-style: chr12-55692969-C-T. GRCh37 (hg19) VCF-style: chr12-56086753-C-T.
Other names: c.2731G>A, p.Asp911Asn (NM_001144996.2); c.2440G>A, p.Asp814Asn (NM_001144997.2); c.2392G>A, p.Asp798Asn (NM_001367993.1); c.1375G>A, p.Asp459Asn (NM_001367994.1); c.2701G>A, p.Asp901Asn (NM_001374465.1); c.2851G>A, p.Asp951Asn (NM_001410977.1); c.2713G>A, p.Asp905Asn (NM_001414029.1); c.2644G>A, p.Asp882Asn (NM_001414030.1); and 5 more; short protein forms D798N, D814N, D907N, D911N, D459N, D901N, D951N, D832N.
Identifiers: ClinVar variation 1496358 (VCV001496358.8), dbSNP rs2135988000, ClinGen allele CA385181440.
Genomic context (GRCh38, chr12:55,692,969, plus strand): 5'-GCTCACCAGGCTCCTGCTGCTCAGGTGGCTCCAGCTCCCGCCGCCTCCTATCCCTACTGT[C>T]CACATCCTGGACACGGAAGGGGGGTCTTAGTGAGTGTCCCTCCAATCACAGCAGTGCTAA-3'
Protein context (NP_002197.2, residues 897-917): PRPNILHLDV[Asp907Asn]SRDRRRRELE

ClinVar aggregate classification (germline): Uncertain significance (1 of 4 stars; one submission).

Conditions:
Congenital muscular dystrophy due to integrin alpha-7 deficiency. Also called: MYOPATHY, CONGENITAL, DUE TO INTEGRIN ALPHA-7 DEFICIENCY; Congenital muscular dystrophy with integrin alpha-7 deficiency; Muscular dystrophy, congenital, due to ITGA7 deficiency. Identifiers: Orphanet 34520, MedGen C2750786, MONDO:0013177, OMIM 613204.

Submission:

Labcorp Genetics (formerly Invitae), Labcorp
Classification: Uncertain significance for Congenital muscular dystrophy due to integrin alpha-7 deficiency. Last evaluated: 2022-03-18. Review status: criteria provided, single submitter. Criteria: Invitae Variant Classification Sherloc (09022015). Collection method: clinical testing. Allele origin: germline.
Comment: In summary, the available evidence is currently insufficient to determine the role of this variant in disease. Therefore, it has been classified as a Variant of Uncertain Significance. Algorithms developed to predict the effect of missense changes on protein structure and function (SIFT, PolyPhen-2, Align-GVGD) all suggest that this variant is likely to be tolerated. This sequence change replaces aspartic acid, which is acidic and polar, with asparagine, which is neutral and polar, at codon 907 of the ITGA7 protein (p.Asp907Asn). This variant is not present in population databases (gnomAD no frequency). This variant has not been reported in the literature in individuals affected with ITGA7-related conditions.